The following is an entry in ClinVar:

ClinVar aggregate classification (germline): Benign/Likely benign. Review status: criteria provided, multiple submitters, no conflicts (2 of 4 stars). 5 submissions from 5 submitters: Benign (1); Likely benign (4). Last evaluated 2025-11-17.

Conditions:
Hereditary cancer-predisposing syndrome. Also called: Hereditary neoplastic syndrome; Tumor predisposition; Hereditary Cancer Syndrome; Neoplastic Syndromes, Hereditary. Identifiers: Orphanet 140162, MedGen C0027672, MeSH D009386, MONDO:0015356.
Familial cancer of breast. Also called: hereditary breast carcinoma; Hereditary breast cancer; BREAST CANCER, FAMILIAL. Identifiers: Orphanet 227535, MedGen C0346153, MONDO:0016419, OMIM 114480. Disease mechanism: loss of function.

Allele frequency attached by ClinVar (database versions not stated): TOPMed below 0.00001; gnomAD exomes 0.00001.
gnomAD v4.1: 8 of 1,599,866 alleles (0.0005%); highest among the groups gnomAD compares: Non-Finnish European, 0.00068%; no homozygotes.

Submissions (5):

Labcorp Genetics (formerly Invitae), Labcorp
Classification: Likely benign for Familial cancer of breast. Last evaluated: 2025-11-17. Review status: criteria provided, single submitter. Criteria: Invitae Variant Classification Sherloc (09022015). Collection method: clinical testing. Allele origin: germline.

Myriad Genetics, Inc.
Classification: Benign for Familial cancer of breast. Last evaluated: 2024-07-22. Review status: criteria provided, single submitter. Criteria: Myriad Autosomal Dominant, Autosomal Recessive and X-Linked Classification Criteria (2023). Collection method: clinical testing. Allele origin: unknown.
Comment: This variant is considered benign. This variant is a silent/synonymous amino acid change and it is not expected to impact splicing.

Women's Health and Genetics/Laboratory Corporation of America, LabCorp
Classification: Likely benign. Last evaluated: 2024-05-05. Review status: criteria provided, single submitter. Criteria: LabCorp Variant Classification Summary - May 2015. Collection method: clinical testing. Allele origin: germline.

Color Diagnostics, LLC DBA Color Health
Classification: Likely benign for Hereditary cancer-predisposing syndrome. Last evaluated: 2017-03-16. Review status: criteria provided, single submitter. Criteria: ACMG Guidelines, 2015. Collection method: clinical testing. Allele origin: germline.

Ambry Genetics
Classification: Likely benign for Hereditary cancer-predisposing syndrome. Last evaluated: 2015-05-27. Review status: criteria provided, single submitter. Criteria: Ambry Variant Classification Scheme 2023. Collection method: clinical testing. Allele origin: germline.

NM_000465.4(BARD1):c.600A>G (p.Ala200=)

Gene: BARD1 (BRCA1 associated RING domain 1; minus strand). Cytogenetic location: 2q35.
Variant type: single nucleotide variant.
Coding change: c.600A>G on transcript NM_000465.4 (MANE Select); coding-DNA position 600, A replaced by G.
Protein change: p.Ala200=; no amino-acid change (alanine 200 retained).
Molecular consequence: synonymous variant. On other transcripts: non-coding transcript variant (2), intron variant (3).
Genome position (GRCh38, 1-based): chr2:214,781,274, T>C on the plus strand (A>G on the coding strand, the complement: BARD1 is on the minus strand). VCF-style: chr2-214781274-T-C. GRCh37 (hg19) VCF-style: chr2-215645998-T-C.
Other names: c.543A>G, p.Ala181= (NM_001282543.2); c.158+28138A>G (NM_001282548.2); c.215+15787A>G (NM_001282545.2); c.364+11023A>G (NM_001282549.2).
Identifiers: ClinVar variation 220201 (VCV000220201.21), dbSNP rs864622418, ClinGen allele CA348604.